The following is an entry in ClinVar:

NM_001035.3(RYR2):c.10200T>C (p.Ala3400=)

Gene: RYR2 (ryanodine receptor 2; plus strand). Cytogenetic location: 1q43.
Variant type: single nucleotide variant.
Coding change: c.10200T>C on transcript NM_001035.3 (MANE Select); coding-DNA position 10200, T replaced by C.
Protein change: p.Ala3400=; no amino-acid change (alanine 3400 retained).
Molecular consequence: synonymous variant.
Genome position (GRCh38, 1-based): chr1:237,709,537, T>C. VCF-style: chr1-237709537-T-C. GRCh37 (hg19) VCF-style: chr1-237872837-T-C.
Other names: c.10200T>C, p.Ala3400= (LRG_402t1).
Identifiers: ClinVar variation 518468 (VCV000518468.31), dbSNP rs779316628, ClinGen allele CA084211.

ClinVar aggregate classification (germline): Conflicting classifications of pathogenicity. Review status: criteria provided, conflicting classifications (1 of 4 stars). 10 submissions from 9 submitters: Uncertain significance (2); Benign (1); Likely benign (7). Last evaluated 2026-06-01.

Conditions:
Cardiovascular phenotype. Identifiers: MedGen CN230736.
Catecholaminergic polymorphic ventricular tachycardia (CVPT). Also called: Catecholamine-induced polymorphic ventricular tachycardia. Identifiers: Orphanet 3286, MedGen C5574922, MONDO:0017990.
Cardiomyopathy (CMYO). Also called: Cardiomyopathies. Identifiers: Orphanet 167848, MedGen C0878544, MONDO:0004994, HP:0001638. Inheritance: Various modes of inheritance.
Catecholaminergic polymorphic ventricular tachycardia 1. Also called: RYR2-Related Catecholaminergic Polymorphic Ventricular Tachycardia; VENTRICULAR TACHYCARDIA, STRESS-INDUCED POLYMORPHIC 1; VENTRICULAR TACHYCARDIA, CATECHOLAMINERGIC POLYMORPHIC, 1, WITH OR WITHOUT ATRIAL DYSFUNCTION AND/OR DILATED CARDIOMYOPATHY. Identifiers: Orphanet 3286, MedGen C1631597, MONDO:0011484, OMIM 604772.
Arrhythmogenic right ventricular dysplasia 2. Identifiers: MedGen C1832931.

Allele frequency attached by ClinVar (database versions not stated): gnomAD 0.00001; TOPMed 0.00002; gnomAD exomes 0.00003 and 0.00006; ExAC 0.00008.
gnomAD v4.1: 55 of 1,611,662 alleles (0.0034%); highest among the groups gnomAD compares: Middle Eastern, 0.082%; no homozygotes.

Submissions (10):

CeGaT Center for Human Genetics Tuebingen
Classification: Likely benign. Last evaluated: 2026-06-01. Review status: criteria provided, single submitter. Criteria: CeGaT Center For Human Genetics Tuebingen Variant Classification Criteria Version 2. Collection method: clinical testing. Allele origin: germline. Affected: yes. Observed: 1 variant allele.
Comment: RYR2: BP4, BP7

Labcorp Genetics (formerly Invitae), Labcorp
Classification: Likely benign for Catecholaminergic polymorphic ventricular tachycardia 1. Last evaluated: 2026-01-11. Review status: criteria provided, single submitter. Criteria: Invitae Variant Classification Sherloc (09022015). Collection method: clinical testing. Allele origin: germline.

Blueprint Genetics
Classification: Likely benign. Last evaluated: 2024-09-18. Review status: criteria provided, single submitter. Criteria: ACMG Guidelines, 2015. Collection method: clinical testing. Allele origin: germline.

All of Us Research Program, National Institutes of Health
Classification: Likely benign for Catecholaminergic polymorphic ventricular tachycardia. Last evaluated: 2023-11-20. Review status: criteria provided, single submitter. Criteria: ACMG Guidelines, 2015. Collection method: clinical testing. Allele origin: germline. Inheritance: Autosomal dominant inheritance. Observed: 10 variant alleles, 10 heterozygotes.
Comment: This study involves interpretation of variants in research participants for the purpose of population health screening. Participant phenotype was not available at the time of variant classification. Additional details can be found in publication PMID: 35346344, PMCID: PMC8962531

Women's Health and Genetics/Laboratory Corporation of America, LabCorp
Classification: Benign. Last evaluated: 2022-08-06. Review status: criteria provided, single submitter. Criteria: LabCorp Variant Classification Summary - May 2015. Collection method: clinical testing. Allele origin: germline.

GeneDx
Classification: Likely benign. Last evaluated: 2020-10-20. Review status: criteria provided, single submitter. Criteria: GeneDx Variant Classification Process June 2021. Collection method: clinical testing. Allele origin: germline. Affected: yes.

Color Diagnostics, LLC DBA Color Health
Classification: Likely benign for Cardiomyopathy. Last evaluated: 2019-02-10. Review status: criteria provided, single submitter. Criteria: ACMG Guidelines, 2015. Collection method: clinical testing. Allele origin: germline.

Illumina Laboratory Services, Illumina
Classification: Uncertain significance for Catecholaminergic polymorphic ventricular tachycardia 1. Last evaluated: 2018-01-12. Review status: criteria provided, single submitter. Criteria: ICSL Variant Classification Criteria 13 December 2019. Collection method: clinical testing. Allele origin: germline.

Illumina Laboratory Services, Illumina
Classification: Uncertain significance for Catecholaminergic polymorphic ventricular tachycardia 1. Last evaluated: 2018-01-12. Review status: criteria provided, single submitter. Criteria: ICSL Variant Classification Criteria 13 December 2019. Collection method: clinical testing. Allele origin: germline.

Ambry Genetics
Classification: Likely benign for Cardiovascular phenotype. Last evaluated: 2016-09-09. Review status: criteria provided, single submitter. Criteria: Ambry Variant Classification Scheme 2023. Collection method: clinical testing. Allele origin: germline.